The following is an entry in ClinVar:

NM_019888.3(MC3R):c.660C>T (p.Arg220=)

Gene: MC3R (melanocortin 3 receptor; plus strand). Cytogenetic location: 20q13.2.
Variant type: single nucleotide variant.
Coding change: c.660C>T on transcript NM_019888.3 (MANE Select); coding-DNA position 660, C replaced by T.
Protein change: p.Arg220=; no amino-acid change (arginine 220 retained).
Molecular consequence: synonymous variant.
Genome position (GRCh38, 1-based): chr20:56,249,503, C>T. VCF-style: chr20-56249503-C-T. GRCh37 (hg19) VCF-style: chr20-54824559-C-T.
Identifiers: ClinVar variation 3345139 (VCV003345139.1).

ClinVar aggregate classification (germline): Likely benign (0 of 4 stars; one submission).

Conditions:
MC3R-related disorder. Also called: MC3R-related condition.

Submission:

PreventionGenetics, part of Exact Sciences
Classification: Likely benign for MC3R-related condition. Last evaluated: 2024-09-04. Review status: no assertion criteria provided. Collection method: clinical testing. Allele origin: germline.
Comment: This variant is classified as likely benign based on ACMG/AMP sequence variant interpretation guidelines (Richards et al. 2015 PMID: 25741868, with internal and published modifications).